The following is an entry in ClinVar:

ClinVar aggregate classification (germline): Pathogenic. Review status: criteria provided, multiple submitters, no conflicts (2 of 4 stars). 2 submissions from 2 submitters: Pathogenic (2). Last evaluated 2023-12-05.

Conditions:
COL1A2-related disorder. Also called: COL1A2-related condition; COL1A2-Related Disorders.
Osteogenesis imperfecta type I (OI1). Also called: OI, TYPE I; OSTEOGENESIS IMPERFECTA TARDA; OSTEOGENESIS IMPERFECTA WITH BLUE SCLERAE; Lobstein's Disease; Classic Non-deforming Osteogenesis Imperfecta with Blue Sclerae; Osteogenesis imperfecta type 1. Identifiers: Orphanet 216796, Orphanet 666, MedGen C0023931, MONDO:0008146, OMIM 166200. Disease mechanism: loss of function.
Ehlers-Danlos syndrome, classic type, 1 (EDSCL1). Also called: Ehlers-Danlos Syndrome, Classic Type, COL5A1-Related; EDS I; Ehlers-Danlos syndrome, type 1; EHLERS-DANLOS SYNDROME, GRAVIS TYPE; EHLERS-DANLOS SYNDROME, SEVERE CLASSIC TYPE. Identifiers: MedGen C0268335, MONDO:0019567, OMIM 130000.

Submissions (2):

Blueprint Genetics
Classification: Pathogenic for COL1A2-related disorders. Last evaluated: 2023-12-05. Review status: criteria provided, single submitter. Criteria: ACMG Guidelines, 2015. Collection method: clinical testing. Allele origin: germline. Affected: yes. Observed: 1 variant allele.

Labcorp Genetics (formerly Invitae), Labcorp
Classification: Pathogenic for Osteogenesis imperfecta type I; Ehlers-Danlos syndrome, classic type, 1. Last evaluated: 2022-06-02. Review status: criteria provided, single submitter. Criteria: Invitae Variant Classification Sherloc (09022015). Collection method: clinical testing. Allele origin: germline.
Comment: This sequence change affects a donor splice site in intron 40 of the COL1A2 gene. It is expected to disrupt RNA splicing. Variants that disrupt the donor or acceptor splice site typically lead to a loss of protein function (PMID: 16199547), and loss-of-function variants in COL1A2 are known to be pathogenic (PMID: 11288717, 15077201). This variant is not present in population databases (gnomAD no frequency). Disruption of this splice site has been observed in individual(s) with osteogenesis imperfecta (PMID: 26177859; Invitae). In at least one individual the variant was observed to be de novo. ClinVar contains an entry for this variant (Variation ID: 856673). Algorithms developed to predict the effect of sequence changes on RNA splicing suggest that this variant may disrupt the consensus splice site. For these reasons, this variant has been classified as Pathogenic.

Literature cited by the submitters: PubMed 16199547 (cited by Labcorp Genetics (formerly Invitae), Labcorp); PubMed 11288717 (cited by Labcorp Genetics (formerly Invitae), Labcorp); PubMed 15077201 (cited by Labcorp Genetics (formerly Invitae), Labcorp); PubMed 26177859 (cited by Labcorp Genetics (formerly Invitae), Labcorp).

NM_000089.4(COL1A2):c.2565+1G>C

Gene: COL1A2 (collagen type I alpha 2 chain; plus strand). Cytogenetic location: 7q21.3.
Variant type: single nucleotide variant.
Coding change: c.2565+1G>C on transcript NM_000089.4 (MANE Select); the canonical splice donor site of the intron after coding-DNA position 2565, G replaced by C.
Molecular consequence: splice donor variant.
Genome position (GRCh38, 1-based): chr7:94,423,119, G>C. VCF-style: chr7-94423119-G-C. GRCh37 (hg19) VCF-style: chr7-94052431-G-C.
Identifiers: ClinVar variation 856673 (VCV000856673.12), dbSNP rs72658198, ClinGen allele CA368224171.